The following is an entry in ClinVar:

NM_005188.4(CBL):c.682A>G (p.Ile228Val)

Gene: CBL (Cbl proto-oncogene; plus strand). Cytogenetic location: 11q23.3.
Variant type: single nucleotide variant.
Coding change: c.682A>G on transcript NM_005188.4 (MANE Select); coding-DNA position 682, A replaced by G.
Protein change: p.Ile228Val; replaces isoleucine 228 with valine.
Molecular consequence: missense variant.
Genome position (GRCh38, 1-based): chr11:119,273,959, A>G. VCF-style: chr11-119273959-A-G. GRCh37 (hg19) VCF-style: chr11-119144669-A-G.
Other names: short protein forms I228V.
Identifiers: ClinVar variation 1755669 (VCV001755669.3), dbSNP rs2135298951, ClinGen allele CA382909485.

ClinVar aggregate classification (germline): Uncertain significance. Review status: criteria provided, multiple submitters, no conflicts (2 of 4 stars). 2 submissions from 2 submitters: Uncertain significance (2). Last evaluated 2024-09-03.

Conditions:
Cardiovascular phenotype. Identifiers: MedGen CN230736.

Allele frequency attached by ClinVar (database versions not stated): gnomAD exomes below 0.00001.
gnomAD v4.1: 2 of 1,613,842 alleles (0.00012%); highest among the groups gnomAD compares: Non-Finnish European, 0.00017%; no homozygotes.

Submissions (2):

Blueprint Genetics
Classification: Uncertain significance. Last evaluated: 2024-09-03. Review status: criteria provided, single submitter. Criteria: ACMG Guidelines, 2015. Collection method: clinical testing. Allele origin: germline.

Ambry Genetics
Classification: Uncertain significance for Cardiovascular phenotype. Last evaluated: 2022-07-29. Review status: criteria provided, single submitter. Criteria: Ambry Variant Classification Scheme 2023. Collection method: clinical testing. Allele origin: germline.
Comment: The p.I228V variant (also known as c.682A>G), located in coding exon 4 of the CBL gene, results from an A to G substitution at nucleotide position 682. The isoleucine at codon 228 is replaced by valine, an amino acid with highly similar properties. This amino acid position is conserved. In addition, the in silico prediction for this alteration is inconclusive. Since supporting evidence is limited at this time, the clinical significance of this alteration remains unclear.